The following is an entry in ClinVar:

NM_052845.4(MMAB):c.584+6A>G

Gene: MMAB (metabolism of cobalamin associated B; minus strand). Cytogenetic location: 12q24.11.
Variant type: single nucleotide variant.
Coding change: c.584+6A>G on transcript NM_052845.4 (MANE Select); 6 bases into the intron after coding-DNA position 584, A replaced by G.
Molecular consequence: intron variant.
Genome position (GRCh38, 1-based): chr12:109,561,034, T>C on the plus strand (A>G on the coding strand, the complement: MMAB is on the minus strand). VCF-style: chr12-109561034-T-C. GRCh37 (hg19) VCF-style: chr12-109998839-T-C.
Other names: c.584+6A>G (NM_052845.3).
Identifiers: ClinVar variation 991629 (VCV000991629.4), dbSNP rs767719463, ClinGen allele CA6778820.

ClinVar aggregate classification (germline): Uncertain significance. Review status: criteria provided, multiple submitters, no conflicts (2 of 4 stars). 4 submissions from 4 submitters: Uncertain significance (3). 1 of the submissions does not count toward it. Last evaluated 2024-06-04.

Conditions:
Inborn genetic diseases. Identifiers: MedGen C0950123, MeSH D030342.
Methylmalonic aciduria, cblB type (MACB). Also called: METHYLMALONIC ACIDURIA, VITAMIN B12-RESPONSIVE, DUE TO DEFECT IN SYNTHESIS OF ADENOSYLCOBALAMIN, cblB TYPE; Vitamin B12-responsive methylmalonic acidemia type cblB; Methylmalonic acidemia cblB type. Identifiers: Orphanet 28, Orphanet 79311, MedGen C1855102, MONDO:0009614, OMIM 251110.

Allele frequency attached by ClinVar (database versions not stated): ExAC 0.00003; gnomAD 0.00010 and 0.00012; TOPMed 0.00011; gnomAD exomes 0.00001 and 0.00002.
gnomAD v4.1: 31 of 1,377,208 alleles (0.0023%); highest among the groups gnomAD compares: African/African-American, 0.046%; no homozygotes.

Submissions (4):

Fulgent Genetics
Classification: Uncertain significance for Methylmalonic aciduria, cblB type. Last evaluated: 2024-06-04. Review status: criteria provided, single submitter. Criteria: ACMG Guidelines, 2015. Collection method: clinical testing. Allele origin: germline.

Labcorp Genetics (formerly Invitae), Labcorp
Classification: Uncertain significance for Methylmalonic aciduria, cblB type. Last evaluated: 2022-07-04. Review status: criteria provided, single submitter. Criteria: Invitae Variant Classification Sherloc (09022015). Collection method: clinical testing. Allele origin: germline.
Comment: This sequence change falls in intron 7 of the MMAB gene. It does not directly change the encoded amino acid sequence of the MMAB protein. It affects a nucleotide within the consensus splice site. This variant is present in population databases (rs767719463, gnomAD 0.05%). This variant has not been reported in the literature in individuals affected with MMAB-related conditions. ClinVar contains an entry for this variant (Variation ID: 991629). Variants that disrupt the consensus splice site are a relatively common cause of aberrant splicing (PMID: 17576681, 9536098). Algorithms developed to predict the effect of sequence changes on RNA splicing suggest that this variant is not likely to affect RNA splicing. In summary, the available evidence is currently insufficient to determine the role of this variant in disease. Therefore, it has been classified as a Variant of Uncertain Significance.

Ambry Genetics
Classification: Uncertain significance for Inborn genetic diseases. Last evaluated: 2022-05-11. Review status: criteria provided, single submitter. Criteria: Ambry Variant Classification Scheme 2023. Collection method: clinical testing. Allele origin: germline.
Comment: The c.584+6A>G intronic alteration consists of a A to G substitution nucleotides after coding exon 7 in the MMAB gene. Based on insufficient or conflicting evidence, the clinical significance of this alteration remains unclear.

Natera, Inc.
Classification: Uncertain significance for Methylmalonic aciduria cblB type. Last evaluated: 2020-04-10. Review status: no assertion criteria provided. Collection method: clinical testing. Allele origin: germline. Not counted in ClinVar's aggregate classification.

Literature cited by the submitters: PubMed 17576681 (cited by Labcorp Genetics (formerly Invitae), Labcorp); PubMed 9536098 (cited by Labcorp Genetics (formerly Invitae), Labcorp).